The following is an entry in ClinVar:

ClinVar aggregate classification (germline): Uncertain significance (1 of 4 stars; one submission).

Allele frequency attached by ClinVar (database versions not stated): gnomAD 0.00001; 1000 Genomes Project 30x 0.00016; 1000 Genomes Project 0.00020.
gnomAD v4.1: 9 of 1,614,156 alleles (0.00056%); highest among the groups gnomAD compares: Non-Finnish European, 0.00076%; no homozygotes.

Submission:

Labcorp Genetics (formerly Invitae), Labcorp
Classification: Uncertain significance. Last evaluated: 2024-06-16. Review status: criteria provided, single submitter. Criteria: Invitae Variant Classification Sherloc (09022015). Collection method: clinical testing. Allele origin: germline.
Comment: This sequence change replaces arginine, which is basic and polar, with lysine, which is basic and polar, at codon 955 of the FLNB protein (p.Arg955Lys). This variant is present in population databases (rs191462781, gnomAD 0.007%). This variant has not been reported in the literature in individuals affected with FLNB-related conditions. An algorithm developed to predict the effect of missense changes on protein structure and function (PolyPhen-2) suggests that this variant is likely to be disruptive. In summary, the available evidence is currently insufficient to determine the role of this variant in disease. Therefore, it has been classified as a Variant of Uncertain Significance.

NM_001457.4(FLNB):c.2864G>A (p.Arg955Lys)

Gene: FLNB (filamin B; plus strand). Cytogenetic location: 3p14.3.
Variant type: single nucleotide variant.
Coding change: c.2864G>A on transcript NM_001457.4 (MANE Select); coding-DNA position 2864, G replaced by A.
Protein change: p.Arg955Lys; replaces arginine 955 with lysine.
Molecular consequence: missense variant.
Genome position (GRCh38, 1-based): chr3:58,121,241, G>A. VCF-style: chr3-58121241-G-A. GRCh37 (hg19) VCF-style: chr3-58106968-G-A.
Other names: c.2864G>A, p.Arg955Lys (NM_001164317.2, NM_001164318.2, NM_001164319.2); short protein forms R955K.
Identifiers: ClinVar variation 1899610 (VCV001899610.5), dbSNP rs191462781, ClinGen allele CA75445517.